The following is an entry in ClinVar:

NM_002880.4(RAF1):c.1388A>T (p.Asn463Ile)

Gene: RAF1 (Raf-1 proto-oncogene, serine/threonine kinase; minus strand). Cytogenetic location: 3p25.2.
Variant type: single nucleotide variant.
Coding change: c.1388A>T on transcript NM_002880.4 (MANE Select); coding-DNA position 1388, A replaced by T.
Protein change: p.Asn463Ile; replaces asparagine 463 with isoleucine.
Molecular consequence: missense variant. On other transcripts: non-coding transcript variant (3).
Genome position (GRCh38, 1-based): chr3:12,587,620, T>A on the plus strand (A>T on the coding strand, the complement: RAF1 is on the minus strand). VCF-style: chr3-12587620-T-A. GRCh37 (hg19) VCF-style: chr3-12629119-T-A.
Other names: c.1448A>T, p.Asn483Ile (NM_001354689.3); c.1388A>T, p.Asn463Ile (NM_001354690.3); c.1145A>T, p.Asn382Ile (NM_001354691.3, NM_001354692.3); c.1289A>T, p.Asn430Ile (NM_001354693.3); c.1205A>T, p.Asn402Ile (NM_001354694.3); c.1046A>T, p.Asn349Ile (NM_001354695.3); short protein forms N483I, N382I, N430I, N463I, N349I, N402I.
Identifiers: ClinVar variation 1936319 (VCV001936319.5), dbSNP rs2470205898, ClinGen allele CA351500540.

ClinVar aggregate classification (germline): Uncertain significance (1 of 4 stars; one submission).

Conditions:
RASopathy. Also called: rasopathies; Noonan spectrum disorder. Identifiers: Orphanet 536391, MedGen C5555857, MONDO:0021060.

Allele frequency attached by ClinVar (database versions not stated): gnomAD exomes below 0.00001.
gnomAD v4.1: 3 of 1,610,364 alleles (0.00019%); highest among the groups gnomAD compares: Middle Eastern, 0.017%; no homozygotes.

Submission:

Labcorp Genetics (formerly Invitae), Labcorp
Classification: Uncertain significance for RASopathy. Last evaluated: 2022-02-27. Review status: criteria provided, single submitter. Criteria: Invitae Variant Classification Sherloc (09022015). Collection method: clinical testing. Allele origin: germline.
Comment: This sequence change replaces asparagine, which is neutral and polar, with isoleucine, which is neutral and non-polar, at codon 463 of the RAF1 protein (p.Asn463Ile). This variant is not present in population databases (gnomAD no frequency). This variant has not been reported in the literature in individuals affected with RAF1-related conditions. Advanced modeling of protein sequence and biophysical properties (such as structural, functional, and spatial information, amino acid conservation, physicochemical variation, residue mobility, and thermodynamic stability) performed at Invitae indicates that this missense variant is expected to disrupt RAF1 protein function. In summary, the available evidence is currently insufficient to determine the role of this variant in disease. Therefore, it has been classified as a Variant of Uncertain Significance.